The following is an entry in ClinVar:

ClinVar aggregate classification (germline): Uncertain significance (1 of 4 stars; one submission).

Conditions:
Fanconi anemia (FA). Also called: Fanconi's anemia. Identifiers: Orphanet 84, MedGen C0015625, MeSH D005199, MONDO:0019391.

Submission:

Labcorp Genetics (formerly Invitae), Labcorp
Classification: Uncertain significance for Fanconi anemia. Last evaluated: 2019-07-05. Review status: criteria provided, single submitter. Criteria: Invitae Variant Classification Sherloc (09022015). Collection method: clinical testing. Allele origin: germline.
Comment: This variant has not been reported in the literature in individuals with FANCA-related conditions. This sequence change replaces alanine with glycine at codon 430 of the FANCA protein (p.Ala430Gly). The alanine residue is highly conserved and there is a small physicochemical difference between alanine and glycine. This variant is not present in population databases (ExAC no frequency). Algorithms developed to predict the effect of missense changes on protein structure and function are either unavailable or do not agree on the potential impact of this missense change (SIFT: "Deleterious"; PolyPhen-2: "Possibly Damaging"; Align-GVGD: "Class C0"). In summary, the available evidence is currently insufficient to determine the role of this variant in disease. Therefore, it has been classified as a Variant of Uncertain Significance.

NM_000135.4(FANCA):c.1289C>G (p.Ala430Gly)

Gene: FANCA (FA complementation group A; minus strand). Cytogenetic location: 16q24.3.
Variant type: single nucleotide variant.
Coding change: c.1289C>G on transcript NM_000135.4 (MANE Select); coding-DNA position 1289, C replaced by G.
Protein change: p.Ala430Gly; replaces alanine 430 with glycine.
Molecular consequence: missense variant.
Genome position (GRCh38, 1-based): chr16:89,791,473, G>C on the plus strand (C>G on the coding strand, the complement: FANCA is on the minus strand). VCF-style: chr16-89791473-G-C. GRCh37 (hg19) VCF-style: chr16-89857881-G-C.
Other names: c.1289C>G, p.Ala430Gly (NM_001286167.3); short protein forms A430G.
Identifiers: ClinVar variation 941500 (VCV000941500.9), dbSNP rs772567344, ClinGen allele CA397464053.